The following is an entry in ClinVar:

ClinVar aggregate classification (germline): Pathogenic (1 of 4 stars; one submission).

Conditions:
PNKP-related disorder. Also called: PNKP-related disorders; PNKP-related condition.

Submission:

Women's Health and Genetics/Laboratory Corporation of America, LabCorp
Classification: Pathogenic for PNKP-Related Disorders. Last evaluated: 2024-05-22. Review status: criteria provided, single submitter. Criteria: LabCorp Variant Classification Summary - May 2015. Collection method: clinical testing. Allele origin: germline.
Comment: Variant summary: PNKP c.335delC (p.Pro112GlnfsX43) results in a premature termination codon, predicted to cause a truncation of the encoded protein or absence of the protein due to nonsense mediated decay, which are commonly known mechanisms for disease. The variant was absent in 251404 control chromosomes (gnomAD). To our knowledge, no occurrence of c.335delC in individuals affected with PNKP-Related Disorders and no experimental evidence demonstrating its impact on protein function have been reported. No submitters have cited clinical-significance assessments for this variant to ClinVar. Based on the evidence outlined above, the variant was classified as pathogenic.

NM_007254.4(PNKP):c.335del (p.Pro112fs)

Gene: PNKP (polynucleotide kinase 3'-phosphatase; minus strand). Cytogenetic location: 19q13.33.
Variant type: Deletion.
Coding change: c.335del on transcript NM_007254.4 (MANE Select); coding-DNA position 335, one base deleted (C; older notation c.335delC).
Protein change: p.Pro112fs; shifts the reading frame from proline 112.
Molecular consequence: frameshift variant.
Genome position (GRCh38, 1-based): chr19:49,865,290, G deleted on the plus strand (C on the coding strand, the reverse complement: PNKP is on the minus strand); the first of 2 consecutive G bases (chr19:49,865,290-49,865,291); deleting either gives the same sequence. VCF-style (leftmost placement, unchanged base first): chr19-49865289-TG-T. GRCh37 (hg19) VCF-style: chr19-50368546-TG-T.
Other names: c.335delC (NM_007254.4); short protein forms P112fs.
Identifiers: ClinVar variation 3336434 (VCV003336434.1).